The following is an entry in ClinVar:

ClinVar aggregate classification (germline): Pathogenic (1 of 4 stars; one submission).

Allele frequency attached by ClinVar (database versions not stated): gnomAD exomes below 0.00001 and 0.00001; ExAC 0.00002.

Submission:

Labcorp Genetics (formerly Invitae), Labcorp
Classification: Pathogenic. Last evaluated: 2023-10-03. Review status: criteria provided, single submitter. Criteria: Invitae Variant Classification Sherloc (09022015). Collection method: clinical testing. Allele origin: germline.
Comment: This sequence change creates a premature translational stop signal (p.Pro348Argfs*26) in the IARS gene. It is expected to result in an absent or disrupted protein product. Loss-of-function variants in IARS are known to be pathogenic (PMID: 27426735, 27891590). This variant is present in population databases (rs776702276, gnomAD 0.006%). This variant has not been reported in the literature in individuals affected with IARS-related conditions. For these reasons, this variant has been classified as Pathogenic.

Literature cited by the submitters: PubMed 27426735; PubMed 27891590.

NM_002161.6(IARS1):c.1043_1044del (p.Pro348fs)

Gene: IARS1 (isoleucyl-tRNA synthetase 1; minus strand). Cytogenetic location: 9q22.31.
Variant type: Deletion.
Coding change: c.1043_1044del on transcript NM_002161.6 (MANE Select); coding-DNA positions 1043 to 1044, 2 bases deleted (CT; older notation c.1043_1044delCT).
Protein change: p.Pro348fs; shifts the reading frame from proline 348.
Molecular consequence: frameshift variant. On other transcripts: non-coding transcript variant (1).
Genome position (GRCh38, 1-based): chr9:92,271,602-92,271,603, AG deleted on the plus strand (CT on the coding strand, the reverse complement: IARS1 is on the minus strand). VCF-style (leftmost placement, unchanged base first): chr9-92271601-CAG-C. GRCh37 (hg19) VCF-style: chr9-95033883-CAG-C.
Other names: c.1043_1044del, p.Pro348fs (NM_001374299.1, NM_001374300.1, NM_001374301.1 and 14 more transcripts); c.1106_1107del, p.Pro369fs (NM_001378569.1); c.1064_1065del, p.Pro355fs (NM_001378571.1); c.920_921del, p.Pro307fs (NM_001378583.1); short protein forms P307fs, P348fs, P355fs, P369fs.
Identifiers: ClinVar variation 2902124 (VCV002902124.3), dbSNP rs776702276, ClinGen allele CA5122751.